The following is an entry in ClinVar:

ClinVar aggregate classification (germline): Likely benign (1 of 4 stars; one submission).

Allele frequency attached by ClinVar (database versions not stated): gnomAD 0.00003 and 0.00004; TOPMed 0.00003.

Submission:

GeneDx
Classification: Likely benign. Last evaluated: 2016-05-04. Review status: criteria provided, single submitter. Criteria: GeneDx Variant Classification (06012015). Collection method: clinical testing. Allele origin: germline. Affected: yes.
Comment: This variant is considered likely benign or benign based on one or more of the following criteria: it is a conservative change, it occurs at a poorly conserved position in the protein, it is predicted to be benign by multiple in silico algorithms, and/or has population frequency not consistent with disease.

NM_000051.4(ATM):c.-43T>G

Gene: ATM (ATM serine/threonine kinase; plus strand). Cytogenetic location: 11q22.3.
Variant type: single nucleotide variant.
Coding change: c.-43T>G on transcript NM_000051.4 (MANE Select); 43 bases upstream of the start codon, T replaced by G.
Molecular consequence: 5 prime UTR variant.
Genome position (GRCh38, 1-based): chr11:108,223,174, T>G. VCF-style: chr11-108223174-T-G. GRCh37 (hg19) VCF-style: chr11-108093901-T-G.
Other names: c.-131T>G (NM_001351834.2); c.-43T>G (NM_001351835.2).
Identifiers: ClinVar variation 379271 (VCV000379271.1), dbSNP rs982834411, ClinGen allele CA16606017.
Genomic context (GRCh38, chr11:108,223,174, plus strand): 5'-AGGCGAGAGGAGTCGGGATCTGCGCTGCAGCCACCGCCGCGGTTGATACTACTTTGACCT[T>G]CCGAGTGCAGTGGTAGGGGCGCGGAGGCAACGCAGCGGCTTCTGCGCTGGGAAATTCAGT-3'